The following is an entry in ClinVar:

NM_000342.4(SLC4A1):c.1242T>C (p.Phe414=)

Gene: SLC4A1 (solute carrier family 4 member 1 (Diego blood group); minus strand). Cytogenetic location: 17q21.31.
Variant type: single nucleotide variant.
Coding change: c.1242T>C on transcript NM_000342.4 (MANE Select); coding-DNA position 1242, T replaced by C.
Protein change: p.Phe414=; no amino-acid change (phenylalanine 414 retained).
Molecular consequence: synonymous variant.
Genome position (GRCh38, 1-based): chr17:44,258,026, A>G on the plus strand (T>C on the coding strand, the complement: SLC4A1 is on the minus strand). VCF-style: chr17-44258026-A-G. GRCh37 (hg19) VCF-style: chr17-42335394-A-G.
Identifiers: ClinVar variation 2647827 (VCV002647827.24), dbSNP rs2144614043, ClinGen allele CA500619509.

ClinVar aggregate classification (germline): Likely benign (1 of 4 stars; one submission).

gnomAD v4.1: 1 of 1,614,116 alleles (0.000062%); highest among the groups gnomAD compares: Non-Finnish European, 0.000085%; no homozygotes.

Submission:

CeGaT Center for Human Genetics Tuebingen
Classification: Likely benign. Last evaluated: 2022-08-01. Review status: criteria provided, single submitter. Criteria: CeGaT Center For Human Genetics Tuebingen Variant Classification Criteria Version 2. Collection method: clinical testing. Allele origin: germline. Affected: yes. Observed: 1 variant allele.
Comment: SLC4A1: PM2:Supporting, BP4, BP7